The following is an entry in ClinVar:

NM_001098511.3(KIF2A):c.1799A>G (p.Asp600Gly)

Gene: KIF2A (kinesin family member 2A; plus strand). Cytogenetic location: 5q12.1.
Variant type: single nucleotide variant.
Coding change: c.1799A>G on transcript NM_001098511.3 (MANE Select); coding-DNA position 1799, A replaced by G.
Protein change: p.Asp600Gly; replaces aspartic acid 600 with glycine.
Molecular consequence: missense variant.
Genome position (GRCh38, 1-based): chr5:62,373,725, A>G. VCF-style: chr5-62373725-A-G. GRCh37 (hg19) VCF-style: chr5-61669552-A-G.
Other names: c.1604A>G, p.Asp535Gly (NM_001243952.2); c.1628A>G, p.Asp543Gly (NM_001243953.2); c.1685A>G, p.Asp562Gly (NM_004520.5); short protein forms D535G, D543G, D562G, D600G.
Identifiers: ClinVar variation 1303943 (VCV001303943.2), dbSNP rs2111986043, ClinGen allele CA359821377.

ClinVar aggregate classification (germline): Uncertain significance (1 of 4 stars; one submission).

Submission:

GeneDx
Classification: Uncertain significance. Last evaluated: 2020-07-20. Review status: criteria provided, single submitter. Criteria: GeneDx Variant Classification Process June 2021. Collection method: clinical testing. Allele origin: germline. Affected: yes.
Comment: Not observed in large population cohorts (Lek et al., 2016); In silico analysis supports that this missense variant does not alter protein structure/function; Has not been previously published as pathogenic or benign to our knowledge